The following is an entry in ClinVar:

NM_003476.5(CSRP3):c.338A>T (p.Lys113Met)

Gene: CSRP3 (cysteine and glycine rich protein 3; minus strand). Cytogenetic location: 11p15.1.
Variant type: single nucleotide variant.
Coding change: c.338A>T on transcript NM_003476.5 (MANE Select); coding-DNA position 338, A replaced by T.
Protein change: p.Lys113Met; replaces lysine 113 with methionine.
Molecular consequence: missense variant.
Genome position (GRCh38, 1-based): chr11:19,186,292, T>A on the plus strand (A>T on the coding strand, the complement: CSRP3 is on the minus strand). VCF-style: chr11-19186292-T-A. GRCh37 (hg19) VCF-style: chr11-19207839-T-A.
Other names: c.169A>T, p.Ser57Cys (NM_001369404.1); short protein forms K113M, S57C.
Identifiers: ClinVar variation 3757428 (VCV003757428.3).

ClinVar aggregate classification (germline): Uncertain significance. Review status: criteria provided, multiple submitters, no conflicts (2 of 4 stars). 2 submissions from 2 submitters: Uncertain significance (2). Last evaluated 2026-09-04.

Conditions:
Hypertrophic cardiomyopathy 12. Identifiers: MedGen C2677491, MONDO:0012804, OMIM 612124.
Dilated cardiomyopathy 1M (CMD1M). Identifiers: Orphanet 154, MedGen C1843808, MONDO:0011840, OMIM 607482.
Cardiovascular phenotype. Identifiers: MedGen CN230736.

gnomAD v4.1: 1 of 1,614,194 alleles (0.000062%); highest among the groups gnomAD compares: African/African-American, 0.0013%; no homozygotes.

Submissions (2):

Ambry Genetics
Classification: Uncertain significance for Cardiovascular phenotype. Last evaluated: 2026-09-04. Review status: criteria provided, single submitter. Criteria: Ambry Variant Classification Scheme 2023. Collection method: clinical testing. Allele origin: germline.
Comment: The p.K113M variant (also known as c.338A>T), located in coding exon 3 of the CSRP3 gene, results from an A to T substitution at nucleotide position 338. The lysine at codon 113 is replaced by methionine, an amino acid with similar properties. This amino acid position is conserved. In addition, the in silico prediction for this alteration is inconclusive. Based on the available evidence, the clinical significance of this variant remains unclear.

Labcorp Genetics (formerly Invitae), Labcorp
Classification: Uncertain significance for Hypertrophic cardiomyopathy 12; Dilated cardiomyopathy 1M. Last evaluated: 2024-07-27. Review status: criteria provided, single submitter. Criteria: Invitae Variant Classification Sherloc (09022015). Collection method: clinical testing. Allele origin: germline.
Comment: This sequence change replaces lysine, which is basic and polar, with methionine, which is neutral and non-polar, at codon 113 of the CSRP3 protein (p.Lys113Met). This variant is not present in population databases (gnomAD no frequency). This variant has not been reported in the literature in individuals affected with CSRP3-related conditions. An algorithm developed to predict the effect of missense changes on protein structure and function (PolyPhen-2) suggests that this variant is likely to be tolerated. In summary, the available evidence is currently insufficient to determine the role of this variant in disease. Therefore, it has been classified as a Variant of Uncertain Significance.